The following is an entry in ClinVar:

NM_000051.4(ATM):c.7796C>T (p.Thr2599Ile)

Genes: ATM (ATM serine/threonine kinase; plus strand), C11orf65 (chromosome 11 open reading frame 65; minus strand). Cytogenetic location: 11q22.3.
Variant type: single nucleotide variant.
Coding change: c.7796C>T on transcript NM_000051.4 (MANE Select); coding-DNA position 7796, C replaced by T.
Protein change: p.Thr2599Ile; replaces threonine 2599 with isoleucine.
Molecular consequence: missense variant. On other transcripts: intron variant (2).
Genome position (GRCh38, 1-based): chr11:108,332,769, C>T. VCF-style: chr11-108332769-C-T. GRCh37 (hg19) VCF-style: chr11-108203496-C-T.
Other names: c.7796C>T, p.Thr2599Ile (NM_001351834.2); c.641-23698G>A (NM_001330368.2); c.*38+2451G>A (NM_001351110.2); short protein forms T2599I.
Identifiers: ClinVar variation 951351 (VCV000951351.21), dbSNP rs2086404569, ClinGen allele CA382561252.

ClinVar aggregate classification (germline): Uncertain significance. Review status: criteria provided, multiple submitters, no conflicts (2 of 4 stars). 4 submissions from 4 submitters: Uncertain significance (3). 1 of the submissions does not count toward it. Last evaluated 2026-03-24.

Conditions:
ATM-related disorder. Also called: ATM-related disorders; ATM-related condition.
Hereditary cancer-predisposing syndrome. Also called: Tumor predisposition; Neoplastic Syndromes, Hereditary; Hereditary neoplastic syndrome; Hereditary Cancer Syndrome. Identifiers: Orphanet 140162, MedGen C0027672, MeSH D009386, MONDO:0015356.
Ataxia-telangiectasia syndrome (AT). Also called: Ataxia-telangiectasia, complementation group D; AT, COMPLEMENTATION GROUP C; ATAXIA-TELANGIECTASIA, COMPLEMENTATION GROUP A; ATAXIA-TELANGIECTASIA, FRESNO VARIANT; Ataxia-telangiectasia; Ataxia telangiectasia (A-T). Identifiers: Orphanet 100, MedGen C0004135, MONDO:0008840, OMIM 208900.

Allele frequency attached by ClinVar (database versions not stated): gnomAD exomes below 0.00001.
gnomAD v4.1: 1 of 1,612,682 alleles (0.000062%); highest among the groups gnomAD compares: Non-Finnish European, 0.000085%; no homozygotes.

Submissions (4):

PreventionGenetics, part of Exact Sciences
Classification: Uncertain significance for ATM-related condition. Last evaluated: 2026-03-24. Review status: criteria provided, single submitter. Criteria: ACMG Guidelines, 2015. Collection method: clinical testing. Allele origin: germline.
Comment: The ATM c.7796C>T variant is predicted to result in the amino acid substitution p.Thr2599Ile. To our knowledge, this variant has not been reported in the literature or in a large population database (gnomAD), indicating this variant is rare. This variant is interpreted as uncertain in ClinVar (Variation ID: 951351). At this time, the clinical significance of this variant is uncertain due to the absence of conclusive functional and genetic evidence.

Labcorp Genetics (formerly Invitae), Labcorp
Classification: Uncertain significance for Ataxia-telangiectasia syndrome. Last evaluated: 2022-09-02. Review status: criteria provided, single submitter. Criteria: Invitae Variant Classification Sherloc (09022015). Collection method: clinical testing. Allele origin: germline.
Comment: In summary, the available evidence is currently insufficient to determine the role of this variant in disease. Therefore, it has been classified as a Variant of Uncertain Significance. Algorithms developed to predict the effect of missense changes on protein structure and function output the following: SIFT: "Tolerated"; PolyPhen-2: "Benign"; Align-GVGD: "Class C0". The isoleucine amino acid residue is found in multiple mammalian species, which suggests that this missense change does not adversely affect protein function. ClinVar contains an entry for this variant (Variation ID: 951351). This variant has not been reported in the literature in individuals affected with ATM-related conditions. This variant is not present in population databases (gnomAD no frequency). This sequence change replaces threonine, which is neutral and polar, with isoleucine, which is neutral and non-polar, at codon 2599 of the ATM protein (p.Thr2599Ile).

Ambry Genetics
Classification: Uncertain significance for Hereditary cancer-predisposing syndrome. Last evaluated: 2022-03-11. Review status: criteria provided, single submitter. Criteria: Ambry Variant Classification Scheme 2023. Collection method: clinical testing. Allele origin: germline.
Comment: The p.T2599I variant (also known as c.7796C>T), located in coding exon 52 of the ATM gene, results from a C to T substitution at nucleotide position 7796. The threonine at codon 2599 is replaced by isoleucine, an amino acid with similar properties. This amino acid position is not well conserved in available vertebrate species. In addition, this alteration is predicted to be tolerated by in silico analysis. Since supporting evidence is limited at this time, the clinical significance of this alteration remains unclear.

Natera, Inc.
Classification: Uncertain significance for Ataxia-telangiectasia. Last evaluated: 2020-10-18. Review status: no assertion criteria provided. Collection method: clinical testing. Allele origin: germline. Not counted in ClinVar's aggregate classification.